The following is an entry in ClinVar:

NM_001283009.2(RTEL1):c.3314C>A (p.Ala1105Glu)

Genes: RTEL1 (regulator of telomere elongation helicase 1; plus strand), RTEL1-TNFRSF6B (RTEL1-TNFRSF6B readthrough (NMD candidate); plus strand). Cytogenetic location: 20q13.33.
Variant type: single nucleotide variant.
Coding change: c.3314C>A on transcript NM_001283009.2 (MANE Select); coding-DNA position 3314, C replaced by A.
Protein change: p.Ala1105Glu; replaces alanine 1105 with glutamic acid.
Molecular consequence: missense variant. On other transcripts: non-coding transcript variant (1).
Genome position (GRCh38, 1-based): chr20:63,694,945, C>A. VCF-style: chr20-63694945-C-A. GRCh37 (hg19) VCF-style: chr20-62326298-C-A.
Other names: c.2645C>A, p.Ala882Glu (NM_001283010.1); c.3314C>A, p.Ala1105Glu (NM_016434.4); c.3386C>A, p.Ala1129Glu (NM_032957.5); short protein forms A882E, A1129E, A1105E.
Identifiers: ClinVar variation 2928359 (VCV002928359.4), dbSNP rs1193975279, ClinGen allele CA409685165.

ClinVar aggregate classification (germline): Uncertain significance. Review status: criteria provided, multiple submitters, no conflicts (2 of 4 stars). 2 submissions from 2 submitters: Uncertain significance (2). Last evaluated 2025-05-15.

Conditions:
Pulmonary fibrosis and/or bone marrow failure, Telomere-related, 3. Also called: PULMONARY FIBROSIS AND/OR BONE MARROW FAILURE SYNDROME, TELOMERE-RELATED, 3. Identifiers: Orphanet 2032, MedGen C4225346, MONDO:0014613, OMIM 616373.
Dyskeratosis congenita, autosomal recessive 5 (DKCB5). Identifiers: MedGen C3554656, MONDO:0014076, OMIM 615190.
Inborn genetic diseases. Identifiers: MedGen C0950123, MeSH D030342.

Submissions (2):

Ambry Genetics
Classification: Uncertain significance for Inborn genetic diseases. Last evaluated: 2025-05-15. Review status: criteria provided, single submitter. Criteria: Ambry Variant Classification Scheme 2023. Collection method: clinical testing. Allele origin: germline.
Comment: The p.A1105E variant (also known as c.3314C>A), located in coding exon 31 of the RTEL1 gene, results from a C to A substitution at nucleotide position 3314. The alanine at codon 1105 is replaced by glutamic acid, an amino acid with dissimilar properties. This amino acid position is conserved. In addition, this alteration is predicted to be tolerated by in silico analysis. Based on the available evidence, the clinical significance of this variant remains unclear.

Labcorp Genetics (formerly Invitae), Labcorp
Classification: Uncertain significance for Dyskeratosis congenita, autosomal recessive 5; Pulmonary fibrosis and/or bone marrow failure, Telomere-related, 3. Last evaluated: 2025-03-24. Review status: criteria provided, single submitter. Criteria: Invitae Variant Classification Sherloc (09022015). Collection method: clinical testing. Allele origin: germline.
Comment: This sequence change replaces alanine, which is neutral and non-polar, with glutamic acid, which is acidic and polar, at codon 1105 of the RTEL1 protein (p.Ala1105Glu). This variant is not present in population databases (gnomAD no frequency). This variant has not been reported in the literature in individuals affected with RTEL1-related conditions. ClinVar contains an entry for this variant (Variation ID: 2928359). An algorithm developed to predict the effect of missense changes on protein structure and function outputs the following: PolyPhen-2: "Benign". The glutamic acid amino acid residue is found in multiple mammalian species, which suggests that this missense change does not adversely affect protein function. In summary, the available evidence is currently insufficient to determine the role of this variant in disease. Therefore, it has been classified as a Variant of Uncertain Significance.